The following is an entry in ClinVar:

ClinVar aggregate classification (germline): Likely benign (0 of 4 stars; one submission).

Conditions:
SGCD-related disorder. Also called: SGCD-related condition.

Submission:

PreventionGenetics, part of Exact Sciences
Classification: Likely benign for SGCD-related condition. Last evaluated: 2021-04-07. Review status: no assertion criteria provided. Collection method: clinical testing. Allele origin: germline.
Comment: This variant is classified as likely benign based on ACMG/AMP sequence variant interpretation guidelines (Richards et al. 2015 PMID: 25741868, with internal and published modifications).

NM_000337.6(SGCD):c.383-56TC[7]

Gene: SGCD (sarcoglycan delta; plus strand). Cytogenetic location: 5q33.3.
Variant type: Microsatellite.
Coding change: c.383-56TC[7] on transcript NM_000337.6 (MANE Select); seven copies in a row of the 2-base unit TC starting at c.383-56; the reference has eight copies in a row; one copy, 2 bases deleted.
Molecular consequence: intron variant.
Genome position (GRCh38, 1-based): chr5:156,594,890-156,594,891, TC deleted; deleting any 2 consecutive bases within chr5:156,594,876-156,594,891 gives the same sequence; the position shown is the placement nearest the transcript's 3' end. VCF-style (leftmost placement, unchanged base first): chr5-156594875-TTC-T. GRCh37 (hg19) VCF-style: chr5-156021885-TTC-T.
Other names: c.380-56TC[7] (NM_001128209.2); c.383-56TC[7] (NM_172244.3).
Identifiers: ClinVar variation 3060381 (VCV003060381.2), dbSNP rs138491950, ClinGen allele CA130623675.